The following is an entry in ClinVar:

ClinVar aggregate classification (germline): Uncertain significance (1 of 4 stars; one submission).

gnomAD v4.1: 58 of 1,613,800 alleles (0.0036%); highest among the groups gnomAD compares: Non-Finnish European, 0.0047%; 1 homozygote.

Submission:

GeneDx
Classification: Uncertain significance. Last evaluated: 2025-07-23. Review status: criteria provided, single submitter. Criteria: GeneDx Variant Classification Process June 2021. Collection method: clinical testing. Allele origin: germline. Affected: yes.
Comment: Not observed at significant frequency in large population cohorts (gnomAD); Has not been previously published as pathogenic or benign to our knowledge; In silico analysis suggests this variant may impact gene splicing. In the absence of RNA/functional studies, the actual effect of this sequence change is unknown.

NM_004646.4(NPHS1):c.840+5G>C

Gene: NPHS1 (NPHS1 adhesion molecule, nephrin; minus strand). Cytogenetic location: 19q13.12.
Variant type: single nucleotide variant.
Coding change: c.840+5G>C on transcript NM_004646.4 (MANE Select); 5 bases into the intron after coding-DNA position 840, G replaced by C.
Molecular consequence: intron variant.
Genome position (GRCh38, 1-based): chr19:35,849,231, C>G on the plus strand (G>C on the coding strand, the complement: NPHS1 is on the minus strand). VCF-style: chr19-35849231-C-G. GRCh37 (hg19) VCF-style: chr19-36340133-C-G.
Identifiers: ClinVar variation 4686917 (VCV004686917.1).
Genomic context (GRCh38, chr19:35,849,231, plus strand): 5'-CCAGCTCAGGACTGGCTCCCAGACCCCACTGTCCCCCCATTCCCCATGCCCGCGTTTGCC[C>G]TCACCTTCAGCCACTGCAGTGTGGCTAAGGGATTACCCCCTCGGGCCACGCACGGCAGCT-3'